The following is an entry in ClinVar:

ClinVar aggregate classification (germline): Uncertain significance (1 of 4 stars; one submission).

gnomAD v4.1: 29 of 1,611,808 alleles (0.0018%); highest among the groups gnomAD compares: Non-Finnish European, 0.0025%; no homozygotes.

Submission:

Labcorp Genetics (formerly Invitae), Labcorp
Classification: Uncertain significance. Last evaluated: 2022-09-07. Review status: criteria provided, single submitter. Criteria: Invitae Variant Classification Sherloc (09022015). Collection method: clinical testing. Allele origin: germline.
Comment: This sequence change replaces serine, which is neutral and polar, with alanine, which is neutral and non-polar, at codon 98 of the SEPSECS protein (p.Ser98Ala). This variant is present in population databases (no rsID available, gnomAD 0.002%). This variant has not been reported in the literature in individuals affected with SEPSECS-related conditions. Algorithms developed to predict the effect of missense changes on protein structure and function (SIFT, PolyPhen-2, Align-GVGD) all suggest that this variant is likely to be disruptive. In summary, the available evidence is currently insufficient to determine the role of this variant in disease. Therefore, it has been classified as a Variant of Uncertain Significance.

NM_016955.4(SEPSECS):c.292T>G (p.Ser98Ala)

Gene: SEPSECS (Sep (O-phosphoserine) tRNA:Sec (selenocysteine) tRNA synthase; minus strand). Cytogenetic location: 4p15.2.
Variant type: single nucleotide variant.
Coding change: c.292T>G on transcript NM_016955.4 (MANE Select); coding-DNA position 292, T replaced by G.
Protein change: p.Ser98Ala; replaces serine 98 with alanine.
Molecular consequence: missense variant.
Genome position (GRCh38, 1-based): chr4:25,156,952, A>C on the plus strand (T>G on the coding strand, the complement: SEPSECS is on the minus strand). VCF-style: chr4-25156952-A-C. GRCh37 (hg19) VCF-style: chr4-25158574-A-C.
Other names: c.547T>G, p.Ser183Ala (NM_001410714.1); c.292T>G, p.Ser98Ala (NM_153825.2); short protein forms S183A, S98A.
Identifiers: ClinVar variation 2184478 (VCV002184478.1), dbSNP rs891557080, ClinGen allele CA93585626.
Genomic context (GRCh38, chr4:25,156,952, plus strand): 5'-TAATTTTGTTCAAAAGGCTAGAGCCTGCAGCTTTTGGTTGCACAGCAGAAATATCACCGG[A>C]TCGTCCAATGCCATGAATGAACCTAAGCAAAAAATGGGCCAAAAACTGGACAAATACATT-3'
Protein context (NP_058651.3, residues 88-108): HYRFIHGIGR[Ser98Ala]GDISAVQPKA